The following is an entry in ClinVar:

ClinVar aggregate classification (germline): Uncertain significance (1 of 4 stars; one submission).

gnomAD v4.1: 1 of 1,613,636 alleles (0.000062%); no homozygotes.

Submission:

Labcorp Genetics (formerly Invitae), Labcorp
Classification: Uncertain significance. Last evaluated: 2022-09-07. Review status: criteria provided, single submitter. Criteria: Invitae Variant Classification Sherloc (09022015). Collection method: clinical testing. Allele origin: germline.
Comment: In summary, the available evidence is currently insufficient to determine the role of this variant in disease. Therefore, it has been classified as a Variant of Uncertain Significance. Algorithms developed to predict the effect of sequence changes on RNA splicing suggest that this variant is not likely to affect RNA splicing. This variant has not been reported in the literature in individuals affected with LRP2-related conditions. This variant is not present in population databases (gnomAD no frequency). This sequence change affects codon 705 of the LRP2 mRNA. It is a 'silent' change, meaning that it does not change the encoded amino acid sequence of the LRP2 protein. It affects a nucleotide within the consensus splice site.

NM_004525.3(LRP2):c.2115T>C (p.Ile705=)

Gene: LRP2 (LDL receptor related protein 2; minus strand). Cytogenetic location: 2q31.1.
Variant type: single nucleotide variant.
Coding change: c.2115T>C on transcript NM_004525.3 (MANE Select); coding-DNA position 2115, T replaced by C.
Protein change: p.Ile705=; no amino-acid change (isoleucine 705 retained).
Molecular consequence: synonymous variant.
Genome position (GRCh38, 1-based): chr2:169,272,928, A>G on the plus strand (T>C on the coding strand, the complement: LRP2 is on the minus strand). VCF-style: chr2-169272928-A-G. GRCh37 (hg19) VCF-style: chr2-170129438-A-G.
Identifiers: ClinVar variation 2000189 (VCV002000189.4), dbSNP rs2528490614, ClinGen allele CA429918647.
Genomic context (GRCh38, chr2:169,272,928, plus strand): 5'-GGTTTGGACACACATACACCTGTGTCACCTGCCAACAACGTCCAAAACAGACTTCTTACC[A>G]ATGCAGTGGCGCTCATCTGTATCCAGTTGGAAGCCGAATGTGCACTTGCAACGGAAACCC-3'
Protein context (NP_004516.2, residues 695-715): FQLDTDERHC[Ile705=]AVQNFLIFSS